The following is an entry in ClinVar:

NM_016169.4(SUFU):c.264G>A (p.Trp88Ter)

Gene: SUFU (SUFU negative regulator of hedgehog signaling; plus strand). Cytogenetic location: 10q24.32.
Variant type: single nucleotide variant.
Coding change: c.264G>A on transcript NM_016169.4 (MANE Select); coding-DNA position 264, G replaced by A.
Protein change: p.Trp88Ter; replaces tryptophan 88 with a stop codon.
Molecular consequence: nonsense.
Genome position (GRCh38, 1-based): chr10:102,509,250, G>A. VCF-style: chr10-102509250-G-A. GRCh37 (hg19) VCF-style: chr10-104269007-G-A.
Other names: c.264G>A, p.Trp88Ter (NM_001178133.2); short protein forms W88*.
Identifiers: ClinVar variation 3337641 (VCV003337641.6).

ClinVar aggregate classification (germline): Pathogenic/Likely pathogenic. Review status: criteria provided, multiple submitters, no conflicts (2 of 4 stars). 4 submissions from 4 submitters: Pathogenic (3); Likely pathogenic (1). Last evaluated 2026-09-24.

Conditions:
Intellectual disability. Also called: Intellectual functioning disability; intellectual disabilities; Intellectual developmental disorder. Identifiers: MedGen C3714756, MeSH D008607, MONDO:0001071, HP:0001249.
Hereditary cancer-predisposing syndrome. Also called: Hereditary neoplastic syndrome; Tumor predisposition; Neoplastic Syndromes, Hereditary; Hereditary Cancer Syndrome. Identifiers: Orphanet 140162, MedGen C0027672, MeSH D009386, MONDO:0015356.
Medulloblastoma (MDB). Also called: Medulloblastoma, somatic; MEDULLOBLASTOMA PREDISPOSITION SYNDROME. Identifiers: Orphanet 616, MedGen C0025149, MeSH D008527, MONDO:0007959, OMIM 155255, HP:0002885.
Gorlin syndrome. Also called: Nevoid Basal Cell Carcinoma Syndrome; Basal cell nevus syndrome. Identifiers: Orphanet 377, MedGen C0004779, MONDO:0007187.
Basal cell nevus syndrome 2 (BCNS2). Also called: NEVOID BASAL CELL CARCINOMA SYNDROME 2. Identifiers: MedGen C5830451, MONDO:0958189, OMIM 620343.

gnomAD v4.1: 1 of 1,614,190 alleles (0.000062%); no homozygotes.

Submissions (4):

Clinical Genetics Laboratory, Skane University Hospital Lund
Classification: Pathogenic for Intellectual disability. Last evaluated: 2026-09-24. Review status: criteria provided, single submitter. Criteria: ACMG Guidelines, 2015. Collection method: clinical testing. Allele origin: germline. Affected: yes.
Comment: ACMG criteria used: PVS1, PS2_Moderate and PM2

Ambry Genetics
Classification: Pathogenic for Hereditary cancer-predisposing syndrome. Last evaluated: 2025-09-24. Review status: criteria provided, single submitter. Criteria: Ambry Variant Classification Scheme 2023. Collection method: clinical testing. Allele origin: germline.
Comment: The p.W88* pathogenic mutation (also known as c.264G>A), located in coding exon 2 of the SUFU gene, results from a G to A substitution at nucleotide position 264. This changes the amino acid from a tryptophan to a stop codon within coding exon 2. This variant was reported in individual(s) with features consistent with SUFU-related disorders (Ambry internal data). This variant is considered to be rare based on population cohorts in the Genome Aggregation Database (gnomAD). This alteration is expected to result in loss of function by premature protein truncation or nonsense-mediated mRNA decay. As such, this alteration is interpreted as a disease-causing mutation.

Labcorp Genetics (formerly Invitae), Labcorp
Classification: Pathogenic for Gorlin syndrome; Medulloblastoma. Last evaluated: 2025-09-20. Review status: criteria provided, single submitter. Criteria: Invitae Variant Classification Sherloc (09022015). Collection method: clinical testing. Allele origin: germline.
Comment: This sequence change creates a premature translational stop signal (p.Trp88*) in the SUFU gene. It is expected to result in an absent or disrupted protein product. Loss-of-function variants in SUFU are known to be pathogenic (PMID: 22508808, 25403219, 33024317). This variant is not present in population databases (gnomAD no frequency). This premature translational stop signal has been observed in individual(s) with SUFU-related conditions (PMID: 29847298, 34308104). ClinVar contains an entry for this variant (Variation ID: 3337641). For these reasons, this variant has been classified as Pathogenic.

Institute for Genomic Medicine (IGM) Clinical Laboratory, Nationwide Children's Hospital
Classification: Likely pathogenic for Basal cell nevus syndrome 2. Last evaluated: 2024-11-24. Review status: criteria provided, single submitter. Criteria: ACMG Guidelines, 2015. Collection method: clinical testing. Allele origin: germline.
Comment: This variant is predicted to result in loss of function through nonsense-mediated decay of the encoded transcript or premature truncation of the encoded protein in a gene in which loss of function is a known mechanism of disease (ACMG/AMP: PVS1; PMIDs:12068298, 21188540). This variant is absent from or present at an exceedingly low frequency in gnomAD, a large-scale control population database (ACMG/AMP: PM2).

Literature cited by the submitters: PubMed 22508808 (cited by Labcorp Genetics (formerly Invitae), Labcorp); PubMed 25403219 (cited by Labcorp Genetics (formerly Invitae), Labcorp); PubMed 33024317 (cited by Labcorp Genetics (formerly Invitae), Labcorp); PubMed 29847298 (cited by Labcorp Genetics (formerly Invitae), Labcorp); PubMed 34308104 (cited by Labcorp Genetics (formerly Invitae), Labcorp); PubMed 12068298 (cited by Institute for Genomic Medicine (IGM) Clinical Laboratory, Nationwide Children's Hospital); PubMed 21188540 (cited by Institute for Genomic Medicine (IGM) Clinical Laboratory, Nationwide Children's Hospital).